The following is an entry in ClinVar:

ClinVar aggregate classification (germline): Conflicting classifications of pathogenicity. Review status: criteria provided, conflicting classifications (1 of 4 stars). 2 submissions from 2 submitters: Likely pathogenic (1); Uncertain significance (1). Last evaluated 2021-09-22.

Conditions:
Hereditary cancer-predisposing syndrome. Also called: Hereditary Cancer Syndrome; Hereditary neoplastic syndrome; Tumor predisposition; Neoplastic Syndromes, Hereditary. Identifiers: Orphanet 140162, MedGen C0027672, MeSH D009386, MONDO:0015356.
Multiple endocrine neoplasia, type 1 (MEN1). Also called: MEN I; WERMER SYNDROME; Endocrine adenomatosis multiple; MEN 1; MEA I. Identifiers: Orphanet 652, MedGen C0025267, MeSH D018761, MONDO:0007540, OMIM 131100.

Submissions (2):

Ambry Genetics
Classification: Likely pathogenic for Hereditary cancer-predisposing syndrome. Last evaluated: 2021-09-22. Review status: criteria provided, single submitter. Criteria: Ambry Variant Classification Scheme 2023. Collection method: clinical testing. Allele origin: germline.
Comment: The p.S427R variant (also known as c.1279A>C), located in coding exon 8 of the MEN1 gene, results from an A to C substitution at nucleotide position 1279. The serine at codon 427 is replaced by arginine, an amino acid with dissimilar properties. This alteration was reported in the literature in an individual with a clinical diagnosis of multiple endocrine neoplasia type 1 (MEN1) based on a personal history of hyperparathyroidism, pancreatic islet cell tumor and pituitary adenoma (Dackiw AP et al. Surgery, 1999 Dec;126:1097-103; discussion 1103-4). The p.S427R alteration has also been described in a family with multiple individuals affected with multiple endocrine neoplasia type 1 (MEN1) (Kouvaraki MA et al. Arch Surg. 2002;137:641-647). This variant is considered to be rare based on population cohorts in the Genome Aggregation Database (gnomAD). This amino acid position is highly conserved in available vertebrate species. In addition, this alteration is predicted to be deleterious by in silico analysis. Based on the majority of available evidence to date, this variant is likely to be pathogenic.

Labcorp Genetics (formerly Invitae), Labcorp
Classification: Uncertain significance for Multiple endocrine neoplasia, type 1. Last evaluated: 2019-02-15. Review status: criteria provided, single submitter. Criteria: Invitae Variant Classification Sherloc (09022015). Collection method: clinical testing. Allele origin: germline.
Comment: Algorithms developed to predict the effect of missense changes on protein structure and function do not agree on the potential impact of this missense change (SIFT: "Deleterious"; PolyPhen-2: "Probably Damaging"; Align-GVGD: "Class C0"). In summary, this variant has uncertain impact on MEN1 function. The available evidence is currently insufficient to determine its role in disease. Therefore, it has been classified as a Variant of Uncertain Significance. This variant has been reported in individuals affected with multiple endocrine neoplasia type I (PMID: 12049533). This variant is not present in population databases (ExAC no frequency). This sequence change replaces serine with arginine at codon 427 of the MEN1 protein (p.Ser427Arg). The serine residue is highly conserved and there is a moderate physicochemical difference between serine and arginine.

Literature cited by the submitters: PubMed 10598193 (cited by Ambry Genetics); PubMed 10660339 (cited by Ambry Genetics); PubMed 12049533 (cited by Ambry Genetics and Labcorp Genetics (formerly Invitae), Labcorp); PubMed 30869828 (cited by Ambry Genetics).

NM_001370259.2(MEN1):c.1279A>C (p.Ser427Arg)

Gene: MEN1 (menin 1; minus strand). Cytogenetic location: 11q13.1.
Variant type: single nucleotide variant.
Coding change: c.1279A>C on transcript NM_001370259.2 (MANE Select); coding-DNA position 1279, A replaced by C.
Protein change: p.Ser427Arg; replaces serine 427 with arginine.
Molecular consequence: missense variant.
Genome position (GRCh38, 1-based): chr11:64,805,105, T>G on the plus strand (A>C on the coding strand, the complement: MEN1 is on the minus strand). VCF-style: chr11-64805105-T-G. GRCh37 (hg19) VCF-style: chr11-64572577-T-G.
Other names: c.1294A>C, p.Ser432Arg (NM_000244.4, NM_130800.3, NM_130801.3 and 3 more transcripts); c.1405A>C, p.Ser469Arg (NM_001370251.2); c.1279A>C, p.Ser427Arg (NM_001370260.2, NM_001370261.2, NM_130799.3); c.1174A>C, p.Ser392Arg (NM_001370262.2, NM_001370263.2); short protein forms S432R, S427R, S392R, S469R.
Identifiers: ClinVar variation 457285 (VCV000457285.13), dbSNP rs1555164245, ClinGen allele CA381180344.